The following is an entry in ClinVar:

ClinVar aggregate classification (germline): Benign/Likely benign. Review status: criteria provided, multiple submitters, no conflicts (2 of 4 stars). 4 submissions from 4 submitters: Benign (1); Likely benign (2). 1 of the submissions does not count toward it. Last evaluated 2023-02-01.

Conditions:
UBR4-related disorder. Also called: UBR4-related condition.

Allele frequency attached by ClinVar (database versions not stated): 1000 Genomes Project 0.00359; 1000 Genomes Project 30x 0.00375; ExAC 0.00529; TOPMed 0.00535; gnomAD 0.00545 and 0.00558; gnomAD exomes 0.00548 and 0.00796; ESP Exome Variant Server 0.00592.
gnomAD v4.1: 12,400 of 1,613,672 alleles (0.77%); highest among the groups gnomAD compares: Non-Finnish European, 0.91%; 66 homozygotes.

Submissions (4):

CeGaT Center for Human Genetics Tuebingen
Classification: Benign. Last evaluated: 2023-02-01. Review status: criteria provided, single submitter. Criteria: CeGaT Center For Human Genetics Tuebingen Variant Classification Criteria Version 2. Collection method: clinical testing. Allele origin: germline. Affected: yes. Observed: 4 variant alleles.
Comment: UBR4: PP2, BP4, BS1, BS2

Labcorp Genetics (formerly Invitae), Labcorp
Classification: Likely benign. Last evaluated: 2019-12-31. Review status: criteria provided, single submitter. Criteria: Invitae Variant Classification Sherloc (09022015). Collection method: clinical testing. Allele origin: germline.

Breakthrough Genomics
Classification: Likely benign. Review status: criteria provided, single submitter. Criteria: ACMG Guidelines, 2015. Collection method: not provided. Allele origin: germline. Inheritance: Unknown mechanism. Affected: yes.

PreventionGenetics, part of Exact Sciences
Classification: Benign for UBR4-related condition. Last evaluated: 2019-02-28. Review status: no assertion criteria provided. Collection method: clinical testing. Allele origin: germline. Not counted in ClinVar's aggregate classification.
Comment: This variant is classified as benign based on ACMG/AMP sequence variant interpretation guidelines (Richards et al. 2015 PMID: 25741868, with internal and published modifications).

NM_020765.3(UBR4):c.2530A>G (p.Met844Val)

Gene: UBR4 (ubiquitin protein ligase E3 component n-recognin 4; minus strand). Cytogenetic location: 1p36.13.
Variant type: single nucleotide variant.
Coding change: c.2530A>G on transcript NM_020765.3 (MANE Select); coding-DNA position 2530, A replaced by G.
Protein change: p.Met844Val; replaces methionine 844 with valine.
Molecular consequence: missense variant.
Genome position (GRCh38, 1-based): chr1:19,177,568, T>C on the plus strand (A>G on the coding strand, the complement: UBR4 is on the minus strand). VCF-style: chr1-19177568-T-C. GRCh37 (hg19) VCF-style: chr1-19504062-T-C.
Other names: short protein forms M844V.
Identifiers: ClinVar variation 774791 (VCV000774791.30), dbSNP rs35444108, ClinGen allele CA651392.
Genomic context (GRCh38, chr1:19,177,568, plus strand): 5'-AATCAAAGATGAGAAGGAGGCGAGCCAAGATAAGCGGCACGAAGCGCATCTGAGCATCCA[T>C]GTTGACGCTCAACTCCTGGATGATCTGGACAAAAAGCGACAATATGGCCCGCCGGCCTGT-3'
Protein context (NP_065816.2, residues 834-854): VQIIQELSVN[Met844Val]DAQMRFVPLI